The following is an entry in ClinVar:

NM_001375883.1(GPR161):c.462C>T (p.His154=)

Gene: GPR161 (G protein-coupled receptor 161; minus strand). Cytogenetic location: 1q24.2.
Variant type: single nucleotide variant.
Coding change: c.462C>T on transcript NM_001375883.1 (MANE Select); coding-DNA position 462, C replaced by T.
Protein change: p.His154=; no amino-acid change (histidine 154 retained).
Molecular consequence: synonymous variant.
Genome position (GRCh38, 1-based): chr1:168,097,145, G>A on the plus strand (C>T on the coding strand, the complement: GPR161 is on the minus strand). VCF-style: chr1-168097145-G-A. GRCh37 (hg19) VCF-style: chr1-168066383-G-A.
Other names: c.522C>T, p.His174= (NM_001267609.1); c.462C>T, p.His154= (NM_001267610.2, NM_001349632.1, NM_001349633.1 and 5 more transcripts); c.513C>T, p.His171= (NM_001267611.1); c.66C>T, p.His22= (NM_001267612.2, NM_001349635.1); c.228C>T, p.His76= (NM_001267613.1); c.120C>T, p.His40= (NM_001267614.1).
Identifiers: ClinVar variation 3770614 (VCV003770614.14).

ClinVar aggregate classification (germline): Likely benign. Review status: criteria provided, multiple submitters, no conflicts (2 of 4 stars). 2 submissions from 2 submitters: Likely benign (2). Last evaluated 2025-05-12.

gnomAD v4.1: 85 of 1,614,030 alleles (0.0053%); highest among the groups gnomAD compares: Admixed American, 0.04%; no homozygotes.

Submissions (2):

Labcorp Genetics (formerly Invitae), Labcorp
Classification: Likely benign. Last evaluated: 2025-05-12. Review status: criteria provided, single submitter. Criteria: Invitae Variant Classification Sherloc (09022015). Collection method: clinical testing. Allele origin: germline.

CeGaT Center for Human Genetics Tuebingen
Classification: Likely benign. Last evaluated: 2025-02-01. Review status: criteria provided, single submitter. Criteria: CeGaT Center For Human Genetics Tuebingen Variant Classification Criteria Version 2. Collection method: clinical testing. Allele origin: germline. Affected: yes. Observed: 1 variant allele.
Comment: GPR161: BP4, BP7